The following is an entry in ClinVar:

NM_024408.4(NOTCH2):c.3408G>C (p.Gln1136His)

Gene: NOTCH2 (notch receptor 2; minus strand). Cytogenetic location: 1p12.
Variant type: single nucleotide variant.
Coding change: c.3408G>C on transcript NM_024408.4 (MANE Select); coding-DNA position 3408, G replaced by C.
Protein change: p.Gln1136His; replaces glutamine 1136 with histidine.
Molecular consequence: missense variant.
Genome position (GRCh38, 1-based): chr1:119,937,396, C>G on the plus strand (G>C on the coding strand, the complement: NOTCH2 is on the minus strand). VCF-style: chr1-119937396-C-G. GRCh37 (hg19) VCF-style: chr1-120480019-C-G.
Other names: c.3408G>C, p.Gln1136His (NM_001200001.2); short protein forms Q1136H.
Identifiers: ClinVar variation 3621455 (VCV003621455.2).

ClinVar aggregate classification (germline): Uncertain significance (1 of 4 stars; one submission).

Conditions:
Hajdu-Cheney syndrome (HJCYS). Also called: SERPENTINE FIBULA-POLYCYSTIC KIDNEY SYNDROME; Acroosteolysis dominant type; ACROOSTEOLYSIS WITH OSTEOPOROSIS AND CHANGES IN SKULL AND MANDIBLE. Identifiers: Orphanet 955, MedGen C0917715, MONDO:0007057, OMIM 102500.

Submission:

Labcorp Genetics (formerly Invitae), Labcorp
Classification: Uncertain significance for Hajdu-Cheney syndrome. Last evaluated: 2024-07-24. Review status: criteria provided, single submitter. Criteria: Invitae Variant Classification Sherloc (09022015). Collection method: clinical testing. Allele origin: germline.
Comment: This sequence change replaces glutamine, which is neutral and polar, with histidine, which is basic and polar, at codon 1136 of the NOTCH2 protein (p.Gln1136His). This variant is not present in population databases (gnomAD no frequency). This variant has not been reported in the literature in individuals affected with NOTCH2-related conditions. Advanced modeling of protein sequence and biophysical properties (such as structural, functional, and spatial information, amino acid conservation, physicochemical variation, residue mobility, and thermodynamic stability) performed at Invitae indicates that this missense variant is not expected to disrupt NOTCH2 protein function with a negative predictive value of 80%. In summary, the available evidence is currently insufficient to determine the role of this variant in disease. Therefore, it has been classified as a Variant of Uncertain Significance.